The following is an entry in ClinVar:

ClinVar aggregate classification (germline): Uncertain significance (1 of 4 stars; one submission).

Conditions:
Neurodevelopmental disorder with progressive spasticity and brain white matter abnormalities. Also called: CEREBRAL PALSY, SPASTIC QUADRIPLEGIC, 1. Identifiers: Orphanet 210141, Orphanet 641353, MedGen C5436628, MONDO:0033613, OMIM 619026.

Submission:

Labcorp Genetics (formerly Invitae), Labcorp
Classification: Uncertain significance for Neurodevelopmental disorder with progressive spasticity and brain white matter abnormalities. Last evaluated: 2022-08-09. Review status: criteria provided, single submitter. Criteria: Invitae Variant Classification Sherloc (09022015). Collection method: clinical testing. Allele origin: germline.
Comment: This variant has not been reported in the literature in individuals affected with GAD1-related conditions. This variant is not present in population databases (gnomAD no frequency). This sequence change replaces glutamic acid, which is acidic and polar, with lysine, which is basic and polar, at codon 111 of the GAD1 protein (p.Glu111Lys). In summary, the available evidence is currently insufficient to determine the role of this variant in disease. Therefore, it has been classified as a Variant of Uncertain Significance. Algorithms developed to predict the effect of missense changes on protein structure and function are either unavailable or do not agree on the potential impact of this missense change (SIFT: "Deleterious"; PolyPhen-2: "Benign"; Align-GVGD: "Class C0"). ClinVar contains an entry for this variant (Variation ID: 1496682).

NM_000817.3(GAD1):c.331G>A (p.Glu111Lys)

Gene: GAD1 (glutamate decarboxylase 1; plus strand). Cytogenetic location: 2q31.1.
Variant type: single nucleotide variant.
Coding change: c.331G>A on transcript NM_000817.3 (MANE Select); coding-DNA position 331, G replaced by A.
Protein change: p.Glu111Lys; replaces glutamic acid 111 with lysine.
Molecular consequence: missense variant.
Genome position (GRCh38, 1-based): chr2:170,830,976, G>A. VCF-style: chr2-170830976-G-A. GRCh37 (hg19) VCF-style: chr2-171687486-G-A.
Other names: c.331G>A, p.Glu111Lys (NM_013445.4); short protein forms E111K.
Identifiers: ClinVar variation 1496682 (VCV001496682.8), dbSNP rs2105778312, ClinGen allele CA349272534.